The following is an entry in ClinVar:

NM_001375567.1(FOCAD):c.2405C>T (p.Ala802Val)

Gene: FOCAD (focadhesin; plus strand). Cytogenetic location: 9p21.3.
Variant type: single nucleotide variant.
Coding change: c.2405C>T on transcript NM_001375567.1 (MANE Select); coding-DNA position 2405, C replaced by T.
Protein change: p.Ala802Val; replaces alanine 802 with valine.
Molecular consequence: missense variant.
Genome position (GRCh38, 1-based): chr9:20,881,958, C>T. VCF-style: chr9-20881958-C-T. GRCh37 (hg19) VCF-style: chr9-20881957-C-T.
Other names: c.2405C>T (NM_017794.4); c.2300C>T, p.Ala767Val (NM_001375568.1, NM_001375570.1); c.2405C>T, p.Ala802Val (NM_017794.5); short protein forms A802V, A767V.
Identifiers: ClinVar variation 2852844 (VCV002852844.26), dbSNP rs79849792, ClinGen allele CA5007117.
Genomic context (GRCh38, chr9:20,881,958, plus strand): 5'-TGAAGCAAGAAATGGTGAATATGCCTCGTGGGATATATCACTCTGCATTAAAAGGAGGTG[C>T]CCGCTCAGACCAAGGAAAGACTGTAGCAGGAATCCCCAATTTTATATTGAAAATGTATGA-3'
Protein context (NP_001362496.1, residues 792-812): GIYHSALKGG[Ala802Val]RSDQGKTVAG

ClinVar aggregate classification (germline): Likely benign. Review status: criteria provided, multiple submitters, no conflicts (2 of 4 stars). 3 submissions from 3 submitters: Likely benign (2). 1 of the submissions does not count toward it. Last evaluated 2026-08-01.

Conditions:
FOCAD-related disorder. Also called: FOCAD-related condition.

Allele frequency attached by ClinVar (database versions not stated): 1000 Genomes Project 30x 0.00203; 1000 Genomes Project 0.00220; TOPMed 0.00270; ExAC 0.00317; gnomAD 0.00325; ESP Exome Variant Server 0.00377; gnomAD exomes 0.00432.
gnomAD v4.1: 6,744 of 1,613,808 alleles (0.42%); highest among the groups gnomAD compares: Non-Finnish European, 0.51%; 21 homozygotes.

Submissions (3):

CeGaT Center for Human Genetics Tuebingen
Classification: Likely benign. Last evaluated: 2026-08-01. Review status: criteria provided, single submitter. Criteria: CeGaT Center For Human Genetics Tuebingen Variant Classification Criteria Version 2. Collection method: clinical testing. Allele origin: germline. Affected: yes. Observed: 5 variant alleles.
Comment: FOCAD: BP4, BS2

Labcorp Genetics (formerly Invitae), Labcorp
Classification: Likely benign. Last evaluated: 2026-01-27. Review status: criteria provided, single submitter. Criteria: Invitae Variant Classification Sherloc (09022015). Collection method: clinical testing. Allele origin: germline.

PreventionGenetics, part of Exact Sciences
Classification: Likely benign for FOCAD-related condition. Last evaluated: 2019-10-24. Review status: no assertion criteria provided. Collection method: clinical testing. Allele origin: germline. Not counted in ClinVar's aggregate classification.
Comment: This variant is classified as likely benign based on ACMG/AMP sequence variant interpretation guidelines (Richards et al. 2015 PMID: 25741868, with internal and published modifications).